The following is an entry in ClinVar:

NM_022436.3(ABCG5):c.509C>T (p.Ala170Val)

Genes: ABCG5 (ATP binding cassette subfamily G member 5; minus strand), DYNC2LI1 (dynein cytoplasmic 2 light intermediate chain 1; plus strand). Cytogenetic location: 2p21.
Variant type: single nucleotide variant.
Coding change: c.509C>T on transcript NM_022436.3 (MANE Select); coding-DNA position 509, C replaced by T.
Protein change: p.Ala170Val; replaces alanine 170 with valine.
Molecular consequence: missense variant. On other transcripts: 3 prime UTR variant (2).
Genome position (GRCh38, 1-based): chr2:43,828,108, G>A on the plus strand (C>T on the coding strand, the complement: ABCG5 is on the minus strand). VCF-style: chr2-43828108-G-A. GRCh37 (hg19) VCF-style: chr2-44055247-G-A.
Other names: c.*738G>A (NM_001348912.2, NM_001348913.2); short protein forms A170V.
Identifiers: ClinVar variation 898039 (VCV000898039.7), dbSNP rs145505499, ClinGen allele CA346667594.
Genomic context (GRCh38, chr2:43,828,108, plus strand): 5'-AAGCTGTAGTTGCCAATCAGTCGGTCTGCCACATGGCTCAGACTCAGCTCTGCCATGACG[G>A]CCTCCACCTGCAGGAGACACAAATTACAGGAAGGCTGGGAGTCTCTGTGGCTGCTATTTC-3'
Protein context (NP_071881.1, residues 160-180): NPGSFQKKVE[Ala170Val]VMAELSLSHV

ClinVar aggregate classification (germline): Uncertain significance. Review status: criteria provided, multiple submitters, no conflicts (2 of 4 stars). 2 submissions from 2 submitters: Uncertain significance (2). Last evaluated 2026-07-31.

Conditions:
Cardiovascular phenotype. Identifiers: MedGen CN230736.
Sitosterolemia 1. Identifiers: MedGen C2749759, MONDO:0020747, OMIM 210250.

Submissions (2):

Ambry Genetics
Classification: Uncertain significance for Cardiovascular phenotype. Last evaluated: 2026-07-31. Review status: criteria provided, single submitter. Criteria: Ambry Variant Classification Scheme 2023. Collection method: clinical testing. Allele origin: germline.
Comment: The p.A170V variant (also known as c.509C>T), located in coding exon 5 of the ABCG5 gene, results from a C to T substitution at nucleotide position 509. The alanine at codon 170 is replaced by valine, an amino acid with similar properties. This amino acid position is conserved. In addition, the in silico prediction for this alteration is inconclusive. Based on the available evidence, the clinical significance of this variant remains unclear.

Illumina Laboratory Services, Illumina
Classification: Uncertain significance for Sitosterolemia 1. Last evaluated: 2018-01-12. Review status: criteria provided, single submitter. Criteria: ICSL Variant Classification Criteria 13 December 2019. Collection method: clinical testing. Allele origin: germline.